The following is an entry in ClinVar:

NM_001190274.2(FBXO11):c.1058A>G (p.Lys353Arg)

Gene: FBXO11 (F-box protein 11; minus strand). Cytogenetic location: 2p16.3.
Variant type: single nucleotide variant.
Coding change: c.1058A>G on transcript NM_001190274.2 (MANE Select); coding-DNA position 1058, A replaced by G.
Protein change: p.Lys353Arg; replaces lysine 353 with arginine.
Molecular consequence: missense variant.
Genome position (GRCh38, 1-based): chr2:47,832,864, T>C on the plus strand (A>G on the coding strand, the complement: FBXO11 is on the minus strand). VCF-style: chr2-47832864-T-C. GRCh37 (hg19) VCF-style: chr2-48060003-T-C.
Other names: c.806A>G, p.Lys269Arg (NM_001374325.1, NM_025133.4); short protein forms K269R, K353R.
Identifiers: ClinVar variation 1483141 (VCV001483141.6), dbSNP rs892676532, ClinGen allele CA46743144.

ClinVar aggregate classification (germline): Uncertain significance (1 of 4 stars; one submission).

Allele frequency attached by ClinVar (database versions not stated): gnomAD exomes below 0.00001; TOPMed below 0.00001.
gnomAD v4.1: 1 of 1,614,026 alleles (0.000062%); no homozygotes.

Submission:

Labcorp Genetics (formerly Invitae), Labcorp
Classification: Uncertain significance. Last evaluated: 2021-11-12. Review status: criteria provided, single submitter. Criteria: Invitae Variant Classification Sherloc (09022015). Collection method: clinical testing. Allele origin: germline.
Comment: In summary, the available evidence is currently insufficient to determine the role of this variant in disease. Therefore, it has been classified as a Variant of Uncertain Significance. Algorithms developed to predict the effect of sequence changes on RNA splicing suggest that this variant may create or strengthen a splice site. Algorithms developed to predict the effect of missense changes on protein structure and function (SIFT, PolyPhen-2, Align-GVGD) all suggest that this variant is likely to be tolerated. This variant has not been reported in the literature in individuals affected with FBXO11-related conditions. This variant is present in population databases (no rsID available, gnomAD 0.01%). This sequence change replaces lysine, which is basic and polar, with arginine, which is basic and polar, at codon 353 of the FBXO11 protein (p.Lys353Arg).